The following is an entry in ClinVar:

NM_001127715.4(STXBP5):c.1797T>C (p.Cys599=)

Gene: STXBP5 (syntaxin binding protein 5; plus strand). Cytogenetic location: 6q24.3.
Variant type: single nucleotide variant.
Coding change: c.1797T>C on transcript NM_001127715.4 (MANE Select); coding-DNA position 1797, T replaced by C.
Protein change: p.Cys599=; no amino-acid change (cysteine 599 retained).
Molecular consequence: synonymous variant.
Genome position (GRCh38, 1-based): chr6:147,316,402, T>C. VCF-style: chr6-147316402-T-C. GRCh37 (hg19) VCF-style: chr6-147637538-T-C.
Other names: c.1797T>C, p.Cys599= (NM_001394409.1, NM_139244.6).
Identifiers: ClinVar variation 3024892 (VCV003024892.22), dbSNP rs148372399, ClinGen allele CA4039086.

ClinVar aggregate classification (germline): Likely benign (1 of 4 stars; one submission).

Allele frequency attached by ClinVar (database versions not stated): 1000 Genomes Project 0.00080; 1000 Genomes Project 30x 0.00109; gnomAD 0.00191; ExAC 0.00195; ESP Exome Variant Server 0.00200; TOPMed 0.00205; gnomAD exomes 0.00253.
gnomAD v4.1: 3,749 of 1,517,142 alleles (0.25%); highest among the groups gnomAD compares: Admixed American, 0.29%; 8 homozygotes.

Submission:

CeGaT Center for Human Genetics Tuebingen
Classification: Likely benign. Last evaluated: 2024-02-01. Review status: criteria provided, single submitter. Criteria: CeGaT Center For Human Genetics Tuebingen Variant Classification Criteria Version 2. Collection method: clinical testing. Allele origin: germline. Affected: yes. Observed: 1 variant allele.
Comment: STXBP5: BP4, BP7